The following is an entry in ClinVar:

NM_001382.4(DPAGT1):c.335G>T (p.Gly112Val)

Gene: DPAGT1 (dolichyl-phosphate N-acetylglucosaminephosphotransferase 1; minus strand). Cytogenetic location: 11q23.3.
Variant type: single nucleotide variant.
Coding change: c.335G>T on transcript NM_001382.4 (MANE Select); coding-DNA position 335, G replaced by T.
Protein change: p.Gly112Val; replaces glycine 112 with valine.
Molecular consequence: missense variant.
Genome position (GRCh38, 1-based): chr11:119,100,791, C>A on the plus strand (G>T on the coding strand, the complement: DPAGT1 is on the minus strand). VCF-style: chr11-119100791-C-A. GRCh37 (hg19) VCF-style: chr11-118971501-C-A.
Other names: short protein forms G112V.
Identifiers: ClinVar variation 935087 (VCV000935087.9), dbSNP rs1946489072, ClinGen allele CA382915279.

ClinVar aggregate classification (germline): Uncertain significance (1 of 4 stars; one submission).

Conditions:
DPAGT1-congenital disorder of glycosylation. Also called: CONGENITAL DISORDER OF GLYCOSYLATION, TYPE Ij; CDG Ij; DPAGT1-CDG. Identifiers: Orphanet 86309, MedGen C2931004, MONDO:0011964, OMIM 608093.
Congenital myasthenic syndrome 13 (CMS13). Also called: Myasthenic syndrome, congenital, 13, with tubular aggregates; Myasthenic syndrome, congenital, with tubular aggregates 2. Identifiers: Orphanet 353327, Orphanet 590, MedGen C3553645, MONDO:0013883, OMIM 614750.

Submission:

Labcorp Genetics (formerly Invitae), Labcorp
Classification: Uncertain significance for Congenital myasthenic syndrome 13; DPAGT1-congenital disorder of glycosylation. Last evaluated: 2019-09-27. Review status: criteria provided, single submitter. Criteria: Invitae Variant Classification Sherloc (09022015). Collection method: clinical testing. Allele origin: germline.
Comment: In summary, the available evidence is currently insufficient to determine the role of this variant in disease. Therefore, it has been classified as a Variant of Uncertain Significance. Algorithms developed to predict the effect of missense changes on protein structure and function are either unavailable or do not agree on the potential impact of this missense change (SIFT: "Deleterious"; PolyPhen-2: "Probably Damaging"; Align-GVGD: "Class C0"). This variant has not been reported in the literature in individuals with DPAGT1-related conditions. This variant is not present in population databases (ExAC no frequency). This sequence change replaces glycine with valine at codon 112 of the DPAGT1 protein (p.Gly112Val). The glycine residue is highly conserved and there is a moderate physicochemical difference between glycine and valine.